The following is an entry in ClinVar:

ClinVar aggregate classification (germline): Uncertain significance (1 of 4 stars; one submission).

gnomAD v4.1: 4 of 1,591,962 alleles (0.00025%); highest among the groups gnomAD compares: Non-Finnish European, 0.00034%; no homozygotes.

Submission:

Labcorp Genetics (formerly Invitae), Labcorp
Classification: Uncertain significance. Last evaluated: 2024-01-04. Review status: criteria provided, single submitter. Criteria: Invitae Variant Classification Sherloc (09022015). Collection method: clinical testing. Allele origin: germline.
Comment: This sequence change replaces serine, which is neutral and polar, with leucine, which is neutral and non-polar, at codon 295 of the TCF3 protein (p.Ser295Leu). This variant is not present in population databases (gnomAD no frequency). This variant has not been reported in the literature in individuals affected with TCF3-related conditions. Advanced modeling of protein sequence and biophysical properties (such as structural, functional, and spatial information, amino acid conservation, physicochemical variation, residue mobility, and thermodynamic stability) performed at Invitae indicates that this missense variant is not expected to disrupt TCF3 protein function with a negative predictive value of 80%. In summary, the available evidence is currently insufficient to determine the role of this variant in disease. Therefore, it has been classified as a Variant of Uncertain Significance.

NM_003200.5(TCF3):c.884C>T (p.Ser295Leu)

Gene: TCF3 (transcription factor 3; minus strand). Cytogenetic location: 19p13.3.
Variant type: single nucleotide variant.
Coding change: c.884C>T on transcript NM_003200.5 (MANE Select); coding-DNA position 884, C replaced by T.
Protein change: p.Ser295Leu; replaces serine 295 with leucine.
Molecular consequence: missense variant.
Genome position (GRCh38, 1-based): chr19:1,621,909, G>A on the plus strand (C>T on the coding strand, the complement: TCF3 is on the minus strand). VCF-style: chr19-1621909-G-A. GRCh37 (hg19) VCF-style: chr19-1621908-G-A.
Other names: c.884C>T, p.Ser295Leu (NM_001136139.4, NM_001351778.2, NM_001351779.2); short protein forms S295L.
Identifiers: ClinVar variation 2789473 (VCV002789473.3), dbSNP rs2513647042, ClinGen allele CA403055052.